The following is an entry in ClinVar:

NM_001267550.2(TTN):c.18292A>G (p.Thr6098Ala)

Genes: TTN (titin; minus strand), LOC126806430 (BRD4-independent group 4 enhancer GRCh37_chr2:179593794-179594993; plus strand). Cytogenetic location: 2q31.2.
Variant type: single nucleotide variant.
Coding change: c.18292A>G on transcript NM_001267550.2 (MANE Select); coding-DNA position 18292, A replaced by G.
Protein change: p.Thr6098Ala; replaces threonine 6098 with alanine.
Molecular consequence: missense variant. On other transcripts: intron variant (3).
Genome position (GRCh38, 1-based): chr2:178,730,108, T>C on the plus strand (A>G on the coding strand, the complement: TTN is on the minus strand). VCF-style: chr2-178730108-T-C. GRCh37 (hg19) VCF-style: chr2-179594835-T-C.
Other names: c.14560A>G, p.Thr4854Ala (NM_133378.4); c.17341A>G, p.Thr5781Ala (NM_001256850.1); c.13282+7974A>G (NM_003319.4); c.13858+7974A>G (NM_133437.4); c.13657+7974A>G (NM_133432.3); short protein forms T4854A, T6098A, T5781A.
Identifiers: ClinVar variation 179805 (VCV000179805.5), dbSNP rs727505140, ClinGen allele CA185173.

ClinVar aggregate classification (germline): Uncertain significance (1 of 4 stars; one submission).

Allele frequency attached by ClinVar (database versions not stated): gnomAD exomes below 0.00001; ExAC 0.00001; gnomAD 0.00001 and 0.00002; TOPMed 0.00002.
gnomAD v4.1: 3 of 1,603,128 alleles (0.00019%); highest among the groups gnomAD compares: African/African-American, 0.0042%; no homozygotes.

Submission:

Laboratory for Molecular Medicine, Mass General Brigham Personalized Medicine
Classification: Uncertain significance. Last evaluated: 2014-06-18. Review status: criteria provided, single submitter. Criteria: LMM Criteria. Collection method: clinical testing. Allele origin: germline. Observed: 1 variant allele.
Comment: Variant classified as Uncertain Significance - Favor Benign. The Thr4854Ala vari ant in TTN has not been previously reported in individuals with cardiomyopathy o r in large population studies. Computational prediction tools and conservation a nalysis suggest that this variant may not impact the protein, though this inform ation is not predictive enough to rule out pathogenicity. In addition, multiple birds, reptiles, and fish species carry an alanine (Ala), suggesting that this c hange may be tolerated. In summary, while the clinical significance of the Thr48 54Ala variant is uncertain, the presence of the variant amino acid in multiple o ther species suggests that it is more likely to be benign.